The following is an entry in ClinVar:

NM_002354.3(EPCAM):c.754G>C (p.Val252Leu)

Gene: EPCAM (epithelial cell adhesion molecule; plus strand). Cytogenetic location: 2p21.
Variant type: single nucleotide variant.
Coding change: c.754G>C on transcript NM_002354.3 (MANE Select); coding-DNA position 754, G replaced by C.
Protein change: p.Val252Leu; replaces valine 252 with leucine.
Molecular consequence: missense variant.
Genome position (GRCh38, 1-based): chr2:47,379,865, G>C. VCF-style: chr2-47379865-G-C. GRCh37 (hg19) VCF-style: chr2-47607004-G-C.
Other names: short protein forms V252L.
Identifiers: ClinVar variation 2447106 (VCV002447106.3), dbSNP rs773185578, ClinGen allele CA1649150.

ClinVar aggregate classification (germline): Uncertain significance (1 of 4 stars; one submission).

Conditions:
Hereditary cancer-predisposing syndrome. Also called: Neoplastic Syndromes, Hereditary; Hereditary Cancer Syndrome; Tumor predisposition; Hereditary neoplastic syndrome. Identifiers: Orphanet 140162, MedGen C0027672, MeSH D009386, MONDO:0015356.

gnomAD v4.1: 3 of 1,614,160 alleles (0.00019%); highest among the groups gnomAD compares: Non-Finnish European, 0.00025%; no homozygotes.

Submission:

Ambry Genetics
Classification: Uncertain significance for Hereditary cancer-predisposing syndrome. Last evaluated: 2025-06-14. Review status: criteria provided, single submitter. Criteria: Ambry Variant Classification Scheme 2023. Collection method: clinical testing. Allele origin: germline.
Comment: The p.V252L variant (also known as c.754G>C), located in coding exon 7 of the EPCAM gene, results from a G to C substitution at nucleotide position 754. The valine at codon 252 is replaced by leucine, an amino acid with highly similar properties. This amino acid position is conserved. In addition, this alteration is predicted to be tolerated by in silico analysis. Since supporting evidence is limited at this time, the clinical significance of this alteration remains unclear.